The following is an entry in ClinVar:

NM_001437.3(ESR2):c.247C>T (p.Pro83Ser)

Gene: ESR2 (estrogen receptor 2; minus strand). Cytogenetic location: 14q23.2.
Variant type: single nucleotide variant.
Coding change: c.247C>T on transcript NM_001437.3 (MANE Select); coding-DNA position 247, C replaced by T.
Protein change: p.Pro83Ser; replaces proline 83 with serine.
Molecular consequence: missense variant. On other transcripts: non-coding transcript variant (2).
Genome position (GRCh38, 1-based): chr14:64,282,739, G>A on the plus strand (C>T on the coding strand, the complement: ESR2 is on the minus strand). VCF-style: chr14-64282739-G-A. GRCh37 (hg19) VCF-style: chr14-64749457-G-A.
Other names: c.247C>T, p.Pro83Ser (NM_001040275.1, NM_001214902.1, NM_001271876.1 and 3 more transcripts); short protein forms P83S.
Identifiers: ClinVar variation 4019832 (VCV004019832.2).

ClinVar aggregate classification (germline): Uncertain significance. Review status: criteria provided, multiple submitters, no conflicts (2 of 4 stars). 2 submissions from 2 submitters: Uncertain significance (2). Last evaluated 2025-04-07.

Submissions (2):

Ambry Genetics
Classification: Uncertain significance. Last evaluated: 2025-04-07. Review status: criteria provided, single submitter. Criteria: Ambry Variant Classification Scheme 2023. Collection method: clinical testing. Allele origin: germline.

Labcorp Genetics (formerly Invitae), Labcorp
Classification: Uncertain significance. Last evaluated: 2025-02-20. Review status: criteria provided, single submitter. Criteria: Invitae Variant Classification Sherloc (09022015). Collection method: clinical testing. Allele origin: germline.
Comment: This sequence change replaces proline, which is neutral and non-polar, with serine, which is neutral and polar, at codon 83 of the ESR2 protein (p.Pro83Ser). This variant is not present in population databases (gnomAD no frequency). This variant has not been reported in the literature in individuals affected with ESR2-related conditions. Invitae Evidence Modeling of protein sequence and biophysical properties (such as structural, functional, and spatial information, amino acid conservation, physicochemical variation, residue mobility, and thermodynamic stability) indicates that this missense variant is not expected to disrupt ESR2 protein function with a negative predictive value of 80%. In summary, the available evidence is currently insufficient to determine the role of this variant in disease. Therefore, it has been classified as a Variant of Uncertain Significance.